The following is an entry in ClinVar:

NM_001042492.3(NF1):c.5157dup (p.Glu1720fs)

Gene: NF1 (neurofibromin 1; plus strand). Cytogenetic location: 17q11.2.
Variant type: Duplication.
Coding change: c.5157dup on transcript NM_001042492.3 (MANE Select); coding-DNA position 5157, one base duplicated (A; older notation c.5157dupA).
Protein change: p.Glu1720fs; shifts the reading frame from glutamic acid 1720.
Molecular consequence: frameshift variant.
Genome position (GRCh38, 1-based): chr17:31,326,141, A duplicated. VCF-style (leftmost placement, unchanged base first): chr17-31326140-T-TA. GRCh37 (hg19) VCF-style: chr17-29653158-T-TA.
Other names: c.5094dup, p.Glu1699Argfs (NM_000267.4); short protein forms E1720fs, E1699fs.
Identifiers: ClinVar variation 2732369 (VCV002732369.4), dbSNP rs2508697639, ClinGen allele CA2697559582.

ClinVar aggregate classification (germline): Conflicting classifications of pathogenicity. Review status: criteria provided, conflicting classifications (1 of 4 stars). 2 submissions from 2 submitters: Pathogenic (1); Uncertain significance (1). Last evaluated 2024-03-25.

Conditions:
Neurofibromatosis, type 1 (NF1). Also called: Neurofibromatosis, type I; NEUROFIBROMATOSIS, TYPE I, SOMATIC; Peripheral type neurofibromatosis; VON RECKLINGHAUSEN DISEASE. Identifiers: Orphanet 636, MedGen C0027831, MONDO:0018975, OMIM 162200. Disease mechanism: loss of function.

Submissions (2):

Genomic Medicine Center of Excellence, King Faisal Specialist Hospital and Research Centre
Classification: Uncertain significance for Neurofibromatosis, type 1. Last evaluated: 2024-03-25. Review status: criteria provided, single submitter. Criteria: ACMG Guidelines, 2015. Collection method: clinical testing. Allele origin: germline.

Labcorp Genetics (formerly Invitae), Labcorp
Classification: Pathogenic for Neurofibromatosis, type 1. Last evaluated: 2023-06-28. Review status: criteria provided, single submitter. Criteria: Invitae Variant Classification Sherloc (09022015). Collection method: clinical testing. Allele origin: germline.
Comment: For these reasons, this variant has been classified as Pathogenic. This variant has not been reported in the literature in individuals affected with NF1-related conditions. This variant is not present in population databases (gnomAD no frequency). This sequence change creates a premature translational stop signal (p.Glu1699Argfs*3) in the NF1 gene. It is expected to result in an absent or disrupted protein product. Loss-of-function variants in NF1 are known to be pathogenic (PMID: 10712197, 23913538).

Literature cited by the submitters: PubMed 10712197 (cited by Labcorp Genetics (formerly Invitae), Labcorp); PubMed 23913538 (cited by Labcorp Genetics (formerly Invitae), Labcorp).